The following is an entry in ClinVar:

ClinVar aggregate classification (germline): Benign/Likely benign. Review status: criteria provided, multiple submitters, no conflicts (2 of 4 stars). 2 submissions from 2 submitters: Benign (1); Likely benign (1). Last evaluated 2025-02-11.

Conditions:
Colorectal cancer, susceptibility to, 12 (CRCS12). Also called: COLORECTAL CANCER, SUSCEPTIBILITY TO, ON CHROMOSOME 12q24. Identifiers: Orphanet 220460, MedGen C3554460, MONDO:0014038, OMIM 615083.

Allele frequency attached by ClinVar (database versions not stated): gnomAD exomes below 0.00001.

Submissions (2):

Myriad Genetics, Inc.
Classification: Benign for Colorectal cancer, susceptibility to, 12. Last evaluated: 2025-02-11. Review status: criteria provided, single submitter. Criteria: Myriad Autosomal Dominant, Autosomal Recessive and X-Linked Classification Criteria (2023). Collection method: clinical testing. Allele origin: unknown.
Comment: This variant is considered benign. This variant is a silent/synonymous amino acid change and it is not expected to impact splicing.

Labcorp Genetics (formerly Invitae), Labcorp
Classification: Likely benign. Last evaluated: 2023-12-11. Review status: criteria provided, single submitter. Criteria: Invitae Variant Classification Sherloc (09022015). Collection method: clinical testing. Allele origin: germline.

NM_006231.4(POLE):c.1431C>T (p.Phe477=)

Gene: POLE (DNA polymerase epsilon, catalytic subunit; minus strand). Cytogenetic location: 12q24.33.
Variant type: single nucleotide variant.
Coding change: c.1431C>T on transcript NM_006231.4 (MANE Select); coding-DNA position 1431, C replaced by T.
Protein change: p.Phe477=; no amino-acid change (phenylalanine 477 retained).
Molecular consequence: synonymous variant.
Genome position (GRCh38, 1-based): chr12:132,673,206, G>A on the plus strand (C>T on the coding strand, the complement: POLE is on the minus strand). VCF-style: chr12-132673206-G-A. GRCh37 (hg19) VCF-style: chr12-133249792-G-A.
Identifiers: ClinVar variation 2897984 (VCV002897984.4), dbSNP rs2135996129, ClinGen allele CA482722675.